The following is an entry in ClinVar:

NM_001321967.2(ATAD1):c.302C>T (p.Thr101Met)

Gene: ATAD1 (ATPase family AAA domain containing 1; minus strand). Cytogenetic location: 10q23.31.
Variant type: single nucleotide variant.
Coding change: c.302C>T on transcript NM_001321967.2 (MANE Select); coding-DNA position 302, C replaced by T.
Protein change: p.Thr101Met; replaces threonine 101 with methionine.
Molecular consequence: missense variant. On other transcripts: non-coding transcript variant (1), 5 prime UTR variant (1).
Genome position (GRCh38, 1-based): chr10:87,790,390, G>A on the plus strand (C>T on the coding strand, the complement: ATAD1 is on the minus strand). VCF-style: chr10-87790390-G-A. GRCh37 (hg19) VCF-style: chr10-89550147-G-A.
Other names: c.302C>T, p.Thr101Met (NM_001321968.2, NM_032810.4); c.-146C>T (NM_001321969.2); short protein forms T101M.
Identifiers: ClinVar variation 1473492 (VCV001473492.5), dbSNP rs547075386, ClinGen allele CA5590116.

ClinVar aggregate classification (germline): Uncertain significance (1 of 4 stars; one submission).

Allele frequency attached by ClinVar (database versions not stated): gnomAD exomes 0.00001 and 0.00002; ExAC 0.00003; TOPMed 0.00003; gnomAD 0.00004; 1000 Genomes Project 30x 0.00016; 1000 Genomes Project 0.00020.
gnomAD v4.1: 39 of 1,612,158 alleles (0.0024%); highest among the groups gnomAD compares: East Asian, 0.045%; no homozygotes.

Submission:

Labcorp Genetics (formerly Invitae), Labcorp
Classification: Uncertain significance. Last evaluated: 2022-01-23. Review status: criteria provided, single submitter. Criteria: Invitae Variant Classification Sherloc (09022015). Collection method: clinical testing. Allele origin: germline.
Comment: This sequence change replaces threonine, which is neutral and polar, with methionine, which is neutral and non-polar, at codon 101 of the ATAD1 protein (p.Thr101Met). This variant is present in population databases (rs547075386, gnomAD 0.01%). This variant has not been reported in the literature in individuals affected with ATAD1-related conditions. Algorithms developed to predict the effect of missense changes on protein structure and function are either unavailable or do not agree on the potential impact of this missense change (SIFT: "Not Available"; PolyPhen-2: "Benign"; Align-GVGD: "Not Available"). In summary, the available evidence is currently insufficient to determine the role of this variant in disease. Therefore, it has been classified as a Variant of Uncertain Significance.